The following is an entry in ClinVar:

NM_030962.4(SBF2):c.3292C>T (p.Leu1098=)

Genes: SBF2 (SET binding factor 2; minus strand), LOC101928008 (uncharacterized LOC101928008; plus strand). Cytogenetic location: 11p15.4.
Variant type: single nucleotide variant.
Coding change: c.3292C>T on transcript NM_030962.4 (MANE Select); coding-DNA position 3292, C replaced by T.
Protein change: p.Leu1098=; no amino-acid change (leucine 1098 retained).
Molecular consequence: synonymous variant.
Genome position (GRCh38, 1-based): chr11:9,839,661, G>A on the plus strand (C>T on the coding strand, the complement: SBF2 is on the minus strand). VCF-style: chr11-9839661-G-A. GRCh37 (hg19) VCF-style: chr11-9861208-G-A.
Other names: c.3292C>T, p.Leu1098= (NM_001386339.1); c.3163C>T, p.Leu1055= (NM_001386342.1); c.3292C>T (NM_030962.3).
Identifiers: ClinVar variation 1105274 (VCV001105274.10), dbSNP rs117957652, ClinGen allele CA5881311.
Genomic context (GRCh38, chr11:9,839,661, plus strand): 5'-AGTCTCTGAAACAAGCTTTTTCCACCAACTGTTCCATTGTAGACTTCTCGGAGGCCTTCA[G>A]GGTGGTACTTGTGGGGAGCTCACTCTCATCTGAAACTGTGATGGTAGAGACAGATATCGA-3'
Protein context (NP_112224.1, residues 1088-1108): DESELPTSTT[Leu1098=]KASEKSTMEQ

ClinVar aggregate classification (germline): Likely benign. Review status: criteria provided, multiple submitters, no conflicts (2 of 4 stars). 2 submissions from 2 submitters: Likely benign (2). Last evaluated 2026-05-22.

Conditions:
SBF2-related disorder. Also called: SBF2-related condition.
Charcot-Marie-Tooth disease type 4. Also called: Charcot-Marie-Tooth, Type 4; Charcot-Marie-Tooth disease, type IV. Identifiers: Orphanet 64749, MedGen C4082197, MONDO:0018995.

gnomAD v4.1: 31 of 1,613,992 alleles (0.0019%); highest among the groups gnomAD compares: Non-Finnish European, 0.002%; no homozygotes.

Submissions (2):

PreventionGenetics, part of Exact Sciences
Classification: Likely benign for SBF2-related condition. Last evaluated: 2026-05-22. Review status: criteria provided, single submitter. Criteria: ACMG Guidelines, 2015. Collection method: clinical testing. Allele origin: germline.
Comment: This variant is classified as likely benign based on ACMG/AMP sequence variant interpretation guidelines (Richards et al. 2015 PMID: 25741868, with internal and published modifications).

Labcorp Genetics (formerly Invitae), Labcorp
Classification: Likely benign for Charcot-Marie-Tooth disease type 4. Last evaluated: 2024-05-04. Review status: criteria provided, single submitter. Criteria: Invitae Variant Classification Sherloc (09022015). Collection method: clinical testing. Allele origin: germline.